The following is an entry in ClinVar:

NM_000465.4(BARD1):c.1435T>G (p.Leu479Val)

Gene: BARD1 (BRCA1 associated RING domain 1; minus strand). Cytogenetic location: 2q35.
Variant type: single nucleotide variant.
Coding change: c.1435T>G on transcript NM_000465.4 (MANE Select); coding-DNA position 1435, T replaced by G.
Protein change: p.Leu479Val; replaces leucine 479 with valine.
Molecular consequence: missense variant. On other transcripts: non-coding transcript variant (3), intron variant (3).
Genome position (GRCh38, 1-based): chr2:214,767,615, A>C on the plus strand (T>G on the coding strand, the complement: BARD1 is on the minus strand). VCF-style: chr2-214767615-A-C. GRCh37 (hg19) VCF-style: chr2-215632339-A-C.
Other names: c.1378T>G, p.Leu460Val (NM_001282543.2); c.159-15060T>G (NM_001282548.2); c.216-15060T>G (NM_001282545.2); c.364+24682T>G (NM_001282549.2); short protein forms L479V, L460V.
Identifiers: ClinVar variation 819210 (VCV000819210.13), dbSNP rs1574788948, ClinGen allele CA350448603.

ClinVar aggregate classification (germline): Uncertain significance. Review status: criteria provided, multiple submitters, no conflicts (2 of 4 stars). 2 submissions from 2 submitters: Uncertain significance (2). Last evaluated 2025-04-07.

Conditions:
Familial cancer of breast. Also called: hereditary breast carcinoma; Hereditary breast cancer; BREAST CANCER, FAMILIAL. Identifiers: Orphanet 227535, MedGen C0346153, MONDO:0016419, OMIM 114480. Disease mechanism: loss of function.
Hereditary cancer-predisposing syndrome. Also called: Tumor predisposition; Hereditary neoplastic syndrome; Neoplastic Syndromes, Hereditary; Hereditary Cancer Syndrome. Identifiers: Orphanet 140162, MedGen C0027672, MeSH D009386, MONDO:0015356.

Submissions (2):

Labcorp Genetics (formerly Invitae), Labcorp
Classification: Uncertain significance for Familial cancer of breast. Last evaluated: 2025-04-07. Review status: criteria provided, single submitter. Criteria: Invitae Variant Classification Sherloc (09022015). Collection method: clinical testing. Allele origin: germline.
Comment: This sequence change replaces leucine, which is neutral and non-polar, with valine, which is neutral and non-polar, at codon 479 of the BARD1 protein (p.Leu479Val). This variant is not present in population databases (gnomAD no frequency). This variant has not been reported in the literature in individuals affected with BARD1-related conditions. ClinVar contains an entry for this variant (Variation ID: 819210). An algorithm developed to predict the effect of missense changes on protein structure and function (PolyPhen-2) suggests that this variant is likely to be disruptive. In summary, the available evidence is currently insufficient to determine the role of this variant in disease. Therefore, it has been classified as a Variant of Uncertain Significance.

Ambry Genetics
Classification: Uncertain significance for Hereditary cancer-predisposing syndrome. Last evaluated: 2024-09-09. Review status: criteria provided, single submitter. Criteria: Ambry Variant Classification Scheme 2023. Collection method: clinical testing. Allele origin: germline.
Comment: The p.L479V variant (also known as c.1435T>G), located in coding exon 6 of the BARD1 gene, results from a T to G substitution at nucleotide position 1435. The leucine at codon 479 is replaced by valine, an amino acid with highly similar properties. This amino acid position is well conserved in available vertebrate species. In addition, this alteration is predicted to be tolerated by in silico analysis. Since supporting evidence is limited at this time, the clinical significance of this alteration remains unclear.